The following is an entry in ClinVar:

NM_006147.4(IRF6):c.327G>C (p.Lys109Asn)

Gene: IRF6 (interferon regulatory factor 6; minus strand). Cytogenetic location: 1q32.2.
Variant type: single nucleotide variant.
Coding change: c.327G>C on transcript NM_006147.4 (MANE Select); coding-DNA position 327, G replaced by C.
Protein change: p.Lys109Asn; replaces lysine 109 with asparagine.
Molecular consequence: missense variant.
Genome position (GRCh38, 1-based): chr1:209,796,400, C>G on the plus strand (G>C on the coding strand, the complement: IRF6 is on the minus strand). VCF-style: chr1-209796400-C-G. GRCh37 (hg19) VCF-style: chr1-209969745-C-G.
Other names: c.327G>C (NM_006147.3); c.42G>C, p.Lys14Asn (NM_001206696.2); short protein forms K14N, K109N.
Identifiers: ClinVar variation 1349516 (VCV001349516.9), dbSNP rs2102542804, ClinGen allele CA344582940.

ClinVar aggregate classification (germline): Uncertain significance. Review status: criteria provided, multiple submitters, no conflicts (2 of 4 stars). 2 submissions from 2 submitters: Uncertain significance (2). Last evaluated 2025-04-12.

Conditions:
Orofacial cleft 6, susceptibility to (OFC6). Also called: CLEFT LIP WITH OR WITHOUT CLEFT PALATE, NONSYNDROMIC, 6. Identifiers: MedGen C1837213, MONDO:0012141, OMIM 608864.
Van der Woude syndrome. Identifiers: Orphanet 888, MedGen C0175697, MONDO:0019508.
Popliteal pterygium syndrome (PPS). Identifiers: Orphanet 294963, MedGen C0265259, MONDO:0017435.

Submissions (2):

GeneDx
Classification: Uncertain significance. Last evaluated: 2025-04-12. Review status: criteria provided, single submitter. Criteria: GeneDx Variant Classification Process June 2021. Collection method: clinical testing. Allele origin: germline. Affected: yes.
Comment: Not observed at significant frequency in large population cohorts (gnomAD); In silico analysis supports that this missense variant has a deleterious effect on protein structure/function; Has not been previously published as pathogenic or benign to our knowledge

Labcorp Genetics (formerly Invitae), Labcorp
Classification: Uncertain significance for Orofacial cleft 6, susceptibility to; Van der Woude syndrome; Popliteal pterygium syndrome. Last evaluated: 2023-09-12. Review status: criteria provided, single submitter. Criteria: Invitae Variant Classification Sherloc (09022015). Collection method: clinical testing. Allele origin: germline.
Comment: This sequence change replaces lysine, which is basic and polar, with asparagine, which is neutral and polar, at codon 109 of the IRF6 protein (p.Lys109Asn). This variant is not present in population databases (gnomAD no frequency). This missense change has been observed in individual(s) with clinical features of Van der Woude syndrome (Invitae). It has also been observed to segregate with disease in related individuals. This variant disrupts the p.Lys109 amino acid residue in IRF6. Other variant(s) that disrupt this residue have been observed in individuals with IRF6-related conditions (PMID: 32558391; Invitae), which suggests that this may be a clinically significant amino acid residue. ClinVar contains an entry for this variant (Variation ID: 1349516). Advanced modeling of protein sequence and biophysical properties (such as structural, functional, and spatial information, amino acid conservation, physicochemical variation, residue mobility, and thermodynamic stability) performed at Invitae indicates that this missense variant is expected to disrupt IRF6 protein function. In summary, the available evidence is currently insufficient to determine the role of this variant in disease. Therefore, it has been classified as a Variant of Uncertain Significance.

Literature cited by the submitters: PubMed 32558391 (cited by Labcorp Genetics (formerly Invitae), Labcorp).